The following is an entry in ClinVar:

ClinVar aggregate classification (germline): Conflicting classifications of pathogenicity. Review status: criteria provided, conflicting classifications (1 of 4 stars). 10 submissions from 10 submitters: Uncertain significance (2); Benign (2); Likely benign (3). 3 of the submissions do not count toward it. Last evaluated 2025-08-01.

Conditions:
Narrow chest. Identifiers: MedGen C0426790, HP:0000774.
Clubfoot. Also called: Club foot; CLUBFOOT, CONGENITAL, WITH OR WITHOUT DEFICIENCY OF LONG BONES AND/OR MIRROR-IMAGE POLYDACTYLY; congenital talipes equinovarus; Talipes equinovarus; Clubfeet. Identifiers: Orphanet 199315, MedGen C0009081, MONDO:0007342, OMIM 119800, HP:0001762.
Hyperechogenic kidneys. Also called: echogenic kidneys. Identifiers: MedGen C3275899, HP:0004719.
Polycystic kidney disease. Also called: Kidney, Polycystic; Polycystic kidney dysplasia. Identifiers: MedGen C0022680, MeSH D007690, MONDO:0020642, HP:0000113.

Allele frequency attached by ClinVar (database versions not stated): ESP Exome Variant Server 0.00032; TOPMed 0.00050; gnomAD 0.00057 and 0.00064; 1000 Genomes Project 30x 0.00062; 1000 Genomes Project 0.00100; gnomAD exomes 0.00118; ExAC 0.00192.
gnomAD v4.1: 1,222 of 1,590,394 alleles (0.077%); highest among the groups gnomAD compares: Middle Eastern, 0.34%; 3 homozygotes.

Submissions (10):

CeGaT Center for Human Genetics Tuebingen
Classification: Benign. Last evaluated: 2025-08-01. Review status: criteria provided, single submitter. Criteria: CeGaT Center For Human Genetics Tuebingen Variant Classification Criteria Version 2. Collection method: clinical testing. Allele origin: germline. Affected: yes. Observed: 2 variant alleles.
Comment: PKD1: PM5, BP4, BS1, BS2

Women's Health and Genetics/Laboratory Corporation of America, LabCorp
Classification: Likely benign. Last evaluated: 2025-06-19. Review status: criteria provided, single submitter. Criteria: LabCorp Variant Classification Summary - May 2015. Collection method: clinical testing. Allele origin: germline.
Comment: Variant summary: PKD1 c.7429C>T (p.Arg2477Cys) results in a non-conservative amino acid change in the encoded protein sequence. Algorithms developed to predict the effect of missense changes on protein structure and function are either unavailable or do not agree on the potential impact of this missense change. The variant allele was found at a frequency of 0.0012 in 186738 control chromosomes, predominantly at a frequency of 0.0031 within the South Asian subpopulation in the gnomAD database. The observed variant frequency within South Asian control individuals in the gnomAD database exceeds the estimated maximal expected allele frequency for a pathogenic variant in PKD1 causing PKD1-Biallelic Autosomal Recessive Polycystic Kidney Disease phenotype. To our knowledge, no experimental evidence demonstrating its impact on protein function has been reported. ClinVar contains an entry for this variant (Variation ID: 257000). Based on the evidence outlined above, the variant was classified as likely benign.

Blueprint Genetics
Classification: Likely benign. Last evaluated: 2024-11-26. Review status: criteria provided, single submitter. Criteria: ACMG Guidelines, 2015. Collection method: clinical testing. Allele origin: germline.

Athena Diagnostics
Classification: Benign. Last evaluated: 2023-11-07. Review status: criteria provided, single submitter. Criteria: Athena Diagnostics Criteria. Collection method: clinical testing. Allele origin: unknown.

Centre for Mendelian Genomics, University Medical Centre Ljubljana
Classification: Uncertain significance for Hyperechogenic kidneys; Narrow chest; Polycystic kidney disease; Clubfoot. Last evaluated: 2017-01-01. Review status: criteria provided, single submitter. Criteria: ACMG Guidelines, 2015. Collection method: clinical testing. Allele origin: unknown. Affected: yes.

GeneDx
Classification: Uncertain significance. Last evaluated: 2015-10-08. Review status: criteria provided, single submitter. Criteria: GeneDx Variant Classification (06012015). Collection method: clinical testing. Allele origin: germline. Affected: yes.
Comment: The R2477C variant in the PKD1 gene has been reported previously in an individual with polycystic kidney disease. However, this individual reportedly carried a second missense variant in the PKD1 gene that segregated with the disease, while the R2477C variant reportedly did not segregate with the disease (Rossetti et al., 2007). The R2477C variant was not observed at any significant frequency in approximately 4,800 individuals of European and African American ancestry in the NHLBI Exome Sequencing Project, indicating it is not a common benign variant in these populations. The R2477C variant is a non-conservative amino acid substitution, which is likely to impact secondary protein structure as these residues differ in polarity, charge, size and/or other properties. This substitution occurs at a position that is not conserved. In silico analysis is inconsistent in its predictions as to whether or not the variant is damaging to the protein structure/function. A missense variant in the same residue (R2477H) has been reported in association with polycystic kidney disease type 1 (Chang et al., 2013), supporting the functional importance of this residue. We interpret R2477C as a variant of uncertain significance.

PreventionGenetics, part of Exact Sciences
Classification: Likely benign. Review status: criteria provided, single submitter. Criteria: ACMG Guidelines, 2015. Collection method: clinical testing. Allele origin: germline.

Clinical Genetics DNA and cytogenetics Diagnostics Lab, Erasmus MC, Erasmus Medical Center
Classification: Likely benign. Review status: no assertion criteria provided. Collection method: clinical testing. Allele origin: germline. Affected: yes. Study: VKGL Data-share Consensus. Not counted in ClinVar's aggregate classification.

Department of Pathology and Laboratory Medicine, Sinai Health System
Classification: Uncertain significance. Review status: no assertion criteria provided. Collection method: clinical testing. Allele origin: unknown. Affected: yes. Study: The Canadian Open Genetics Repository (COGR). Not counted in ClinVar's aggregate classification.
Comment: The PKD1 p.R2477C variant was identified in a family with polycystickidney disease along with an F3168L variant, however only the F3168L variant segregated with disease (Rossetti_2007_PMID:17582161). The variant was also identified in dbSNP (ID: rs376283361), ClinVar (classified as a VUS by GeneDx and Centre for Mendelian Genomics, University Medical Centre Ljubljana and as likely benign by Prevention Genetics), LOVD 3.0 (classified as likely benign) and the ADPKD Mutation Database (classified as likely neutral). The variant was identified in control databases in 248 of 218070 chromosomes at a frequency of 0.001137 increasing the likelihood this could be a low frequency benign variant (Genome Aggregation Database March 6, 2019, v2.1.1). The variant was observed in the following populations: South Asian in 83 of 26454 chromosomes (freq: 0.003138), European (Finnish) in 31 of 13408 chromosomes (freq: 0.002312), Ashkenazi Jewish in 21 of 9226 chromosomes (freq: 0.002276), European (non-Finnish) in 97 of 97806 chromosomes (freq: 0.000992), Other in 5 of 6038 chromosomes (freq: 0.000828), Latino in 10 of 30478 chromosomes (freq: 0.000328) and East Asian in 1 of 16028 chromosomes (freq: 0.000062), but was not observed in the African population. The p.Arg2477 residue is conserved in mammals and three of four computational analyses (SIFT, AlignGVGD, BLOSUM, MutationTaster) suggest that the variant may impact the protein; this information is not predictive enough to assume pathogenicity. The variant occurs outside of the splicing consensus sequence and in silico or computational prediction software programs (SpliceSiteFinder, MaxEntScan, NNSPLICE, GeneSplicer) do not predict a difference in splicing. In summary, based on the above information the clinical significance of this variant cannot be determined with certainty at this time. This variant is classified as a variant of uncertain significance.

Genome Diagnostics Laboratory, University Medical Center Utrecht
Classification: Likely benign. Review status: no assertion criteria provided. Collection method: clinical testing. Allele origin: germline. Affected: yes. Study: VKGL Data-share Consensus. Not counted in ClinVar's aggregate classification.

Literature cited by the submitters: PubMed 26139440 (cited by Athena Diagnostics); PubMed 17582161 (cited by Athena Diagnostics).

NM_001009944.3(PKD1):c.7429C>T (p.Arg2477Cys)

Gene: PKD1 (polycystin 1, transient receptor potential channel interacting; minus strand). Cytogenetic location: 16p13.3.
Variant type: single nucleotide variant.
Coding change: c.7429C>T on transcript NM_001009944.3 (MANE Select); coding-DNA position 7429, C replaced by T.
Protein change: p.Arg2477Cys; replaces arginine 2477 with cysteine.
Molecular consequence: missense variant.
Genome position (GRCh38, 1-based): chr16:2,106,458, G>A on the plus strand (C>T on the coding strand, the complement: PKD1 is on the minus strand). VCF-style: chr16-2106458-G-A. GRCh37 (hg19) VCF-style: chr16-2156459-G-A.
Other names: c.7429C>T, p.Arg2477Cys (NM_000296.4); short protein forms R2477C.
Identifiers: ClinVar variation 257000 (VCV000257000.28), dbSNP rs376283361, ClinGen allele CA7831138.